The following is an entry in ClinVar:

ClinVar aggregate classification (germline): Conflicting classifications of pathogenicity. Review status: criteria provided, conflicting classifications (1 of 4 stars). 5 submissions from 4 submitters: Uncertain significance (3); Likely benign (1). 1 of the submissions does not count toward it. Last evaluated 2024-04-16.

Conditions:
Ovarian hyperstimulation syndrome (OHSS). Also called: OVARIAN HYPERSTIMULATION SYNDROME, FAMILIAL GESTATIONAL SPONTANEOUS. Identifiers: Orphanet 64739, MedGen C0085083, MONDO:0011972, OMIM 608115.
Gonadal dysgenesis. Identifiers: MedGen C0018051, MONDO:0001967, HP:0000133.
Ovarian dysgenesis 1 (ODG1). Also called: Gonadal dysgenesis XX type deafness; GONADAL DYSGENESIS, XX TYPE; OVARIAN DYSGENESIS, HYPERGONADOTROPIC, AUTOSOMAL RECESSIVE; OVARIAN DYSGENESIS, HYPERGONADOTROPIC, WITH NORMAL KARYOTYPE; OVARIAN FAILURE, HYPERGONADOTROPIC. Identifiers: Orphanet 243, MedGen C0949595, MONDO:0024463, OMIM 233300.

Allele frequency attached by ClinVar (database versions not stated): ExAC 0.00024; gnomAD exomes 0.00025; gnomAD 0.00029 and 0.00032; TOPMed 0.00030; ESP Exome Variant Server 0.00031.
gnomAD v4.1: 605 of 1,614,158 alleles (0.037%); highest among the groups gnomAD compares: Middle Eastern, 0.3%; 1 homozygote.

Submissions (5):

Labcorp Genetics (formerly Invitae), Labcorp
Classification: Likely benign. Last evaluated: 2024-04-16. Review status: criteria provided, single submitter. Criteria: Invitae Variant Classification Sherloc (09022015). Collection method: clinical testing. Allele origin: germline.

CeGaT Center for Human Genetics Tuebingen
Classification: Uncertain significance. Last evaluated: 2023-10-01. Review status: criteria provided, single submitter. Criteria: CeGaT Center For Human Genetics Tuebingen Variant Classification Criteria Version 2. Collection method: clinical testing. Allele origin: germline. Affected: yes. Observed: 1 variant allele.

Illumina Laboratory Services, Illumina
Classification: Uncertain significance for Ovarian dysgenesis 1. Last evaluated: 2018-01-12. Review status: criteria provided, single submitter. Criteria: ICSL Variant Classification Criteria 13 December 2019. Collection method: clinical testing. Allele origin: germline.

Illumina Laboratory Services, Illumina
Classification: Uncertain significance for Ovarian hyperstimulation syndrome. Last evaluated: 2018-01-12. Review status: criteria provided, single submitter. Criteria: ICSL Variant Classification Criteria 13 December 2019. Collection method: clinical testing. Allele origin: germline.

Al Jenan Medical
Classification: Likely pathogenic for Gonadal dysgenesis. Review status: no assertion criteria provided. Collection method: clinical testing. Allele origin: maternal. Inheritance: Autosomal dominant inheritance. Affected: yes. Observed: 1 hemizygote. Not counted in ClinVar's aggregate classification.
Comment: The FSHR missense variant is classified as Pathogenic based on its robust association with azoospermia, testicular failure, and other reproductive abnormalities in genetic and functional studies.

Literature cited by the submitters: PubMed 10022448 (cited by Al Jenan Medical); PubMed 22414334 (cited by Al Jenan Medical).

NM_000145.4(FSHR):c.1330G>A (p.Ala444Thr)

Gene: FSHR (follicle stimulating hormone receptor; minus strand). Cytogenetic location: 2p16.3.
Variant type: single nucleotide variant.
Coding change: c.1330G>A on transcript NM_000145.4 (MANE Select); coding-DNA position 1330, G replaced by A.
Protein change: p.Ala444Thr; replaces alanine 444 with threonine.
Molecular consequence: missense variant.
Genome position (GRCh38, 1-based): chr2:48,963,491, C>T on the plus strand (G>A on the coding strand, the complement: FSHR is on the minus strand). VCF-style: chr2-48963491-C-T. GRCh37 (hg19) VCF-style: chr2-49190630-C-T.
Other names: c.1252G>A, p.Ala418Thr (NM_181446.3); short protein forms A444T, A418T.
Identifiers: ClinVar variation 336482 (VCV000336482.34), dbSNP rs202162496, ClinGen allele CA1653677.
Genomic context (GRCh38, chr2:48,963,491, plus strand): 5'-TGATAGCTGTCAGAGTGTAGACTGACAGCTCACTGGCAAAGACAGTGAAAAAGCCAGCAG[C>T]ATCACAGCCTGCCCCAGTTTGCCAGTCAATGGCATAGTTGTGATATTGGCTCTTGGTATG-3'
Protein context (NP_000136.2, residues 434-454): IDWQTGAGCD[Ala444Thr]AGFFTVFASE